The following is an entry in ClinVar:

ClinVar aggregate classification (germline): Uncertain significance (1 of 4 stars; one submission).

Conditions:
Inborn genetic diseases. Identifiers: MedGen C0950123, MeSH D030342.

Submission:

Ambry Genetics
Classification: Uncertain significance for Inborn genetic diseases. Last evaluated: 2024-03-14. Review status: criteria provided, single submitter. Criteria: Ambry Variant Classification Scheme 2023. Collection method: clinical testing. Allele origin: germline.
Comment: The p.T2528I variant (also known as c.7583C>T), located in coding exon 45 of the ATR gene, results from a C to T substitution at nucleotide position 7583. The threonine at codon 2528 is replaced by isoleucine, an amino acid with similar properties. This amino acid position is conserved. In addition, the in silico prediction for this alteration is inconclusive. Based on the available evidence, the clinical significance of this alteration remains unclear.

NM_001184.4(ATR):c.7583C>T (p.Thr2528Ile)

Gene: ATR (ATR checkpoint kinase; minus strand). Cytogenetic location: 3q23.
Variant type: single nucleotide variant.
Coding change: c.7583C>T on transcript NM_001184.4 (MANE Select); coding-DNA position 7583, C replaced by T.
Protein change: p.Thr2528Ile; replaces threonine 2528 with isoleucine.
Molecular consequence: missense variant.
Genome position (GRCh38, 1-based): chr3:142,457,676, G>A on the plus strand (C>T on the coding strand, the complement: ATR is on the minus strand). VCF-style: chr3-142457676-G-A. GRCh37 (hg19) VCF-style: chr3-142176518-G-A.
Other names: c.7391C>T, p.Thr2464Ile (NM_001354579.2); short protein forms T2464I, T2528I.
Identifiers: ClinVar variation 3221292 (VCV003221292.1), dbSNP rs2108257552, ClinGen allele CA354795116.